The following is an entry in ClinVar:

ClinVar aggregate classification (germline): Likely benign. Review status: criteria provided, multiple submitters, no conflicts (2 of 4 stars). 3 submissions from 3 submitters: Likely benign (2). 1 of the submissions does not count toward it. Last evaluated 2025-12-07.

Conditions:
SMARCB1-related disorder. Also called: SMARCB1-related condition; SMARCB1-related disorders.
Hereditary cancer-predisposing syndrome. Also called: Hereditary neoplastic syndrome; Neoplastic Syndromes, Hereditary; Tumor predisposition; Hereditary Cancer Syndrome. Identifiers: Orphanet 140162, MedGen C0027672, MeSH D009386, MONDO:0015356.

Allele frequency attached by ClinVar (database versions not stated): ExAC below 0.00001; gnomAD 0.00001; gnomAD exomes 0.00001; TOPMed 0.00001.
gnomAD v4.1: 36 of 1,593,404 alleles (0.0023%); highest among the groups gnomAD compares: Middle Eastern, 0.016%; no homozygotes.

Submissions (3):

Labcorp Genetics (formerly Invitae), Labcorp
Classification: Likely benign. Last evaluated: 2025-12-07. Review status: criteria provided, single submitter. Criteria: Invitae Variant Classification Sherloc (09022015). Collection method: clinical testing. Allele origin: germline.

Ambry Genetics
Classification: Likely benign for Hereditary cancer-predisposing syndrome. Last evaluated: 2017-08-07. Review status: criteria provided, single submitter. Criteria: Ambry Variant Classification Scheme 2023. Collection method: clinical testing. Allele origin: germline.

PreventionGenetics, part of Exact Sciences
Classification: Likely benign for SMARCB1-related condition. Last evaluated: 2024-07-26. Review status: no assertion criteria provided. Collection method: clinical testing. Allele origin: germline. Not counted in ClinVar's aggregate classification.
Comment: This variant is classified as likely benign based on ACMG/AMP sequence variant interpretation guidelines (Richards et al. 2015 PMID: 25741868, with internal and published modifications).

NM_003073.5(SMARCB1):c.1143G>A (p.Thr381=)

Gene: SMARCB1 (SWI/SNF related BAF chromatin remodeling complex subunit B1; plus strand). Cytogenetic location: 22q11.23.
Variant type: single nucleotide variant.
Coding change: c.1143G>A on transcript NM_003073.5 (MANE Select); coding-DNA position 1143, G replaced by A.
Protein change: p.Thr381=; no amino-acid change (threonine 381 retained).
Molecular consequence: synonymous variant.
Genome position (GRCh38, 1-based): chr22:23,834,165, G>A. VCF-style: chr22-23834165-G-A. GRCh37 (hg19) VCF-style: chr22-24176352-G-A.
Other names: c.1143G>A (NM_003073.4, LRG_520t1); c.1116G>A, p.Thr372= (NM_001007468.3); c.1170G>A, p.Thr390= (NM_001317946.2); c.1197G>A, p.Thr399= (NM_001362877.2).
Identifiers: ClinVar variation 486497 (VCV000486497.14), dbSNP rs750187119, ClinGen allele CA10146129.